The following is an entry in ClinVar:

ClinVar aggregate classification (germline): Benign. Review status: criteria provided, multiple submitters, no conflicts (2 of 4 stars). 3 submissions from 3 submitters: Benign (2). 1 of the submissions does not count toward it. Last evaluated 2026-01-20.

Conditions:
SPINT2-related disorder. Also called: SPINT2-related condition.

Allele frequency attached by ClinVar (database versions not stated): gnomAD 0.00001 and 0.00041; TOPMed 0.00005; gnomAD exomes 0.00110; ExAC 0.00137; 1000 Genomes Project 30x 0.00219; 1000 Genomes Project 0.00220.
gnomAD v4.1: 840 of 1,614,084 alleles (0.052%); highest among the groups gnomAD compares: South Asian, 0.84%; 12 homozygotes.

Submissions (3):

Labcorp Genetics (formerly Invitae), Labcorp
Classification: Benign. Last evaluated: 2026-01-20. Review status: criteria provided, single submitter. Criteria: Invitae Variant Classification Sherloc (09022015). Collection method: clinical testing. Allele origin: germline.

Breakthrough Genomics
Classification: Benign. Review status: criteria provided, single submitter. Criteria: ACMG Guidelines, 2015. Collection method: not provided. Allele origin: germline. Inheritance: Autosomal recessive inheritance. Affected: yes.

PreventionGenetics, part of Exact Sciences
Classification: Benign for SPINT2-related condition. Last evaluated: 2023-07-12. Review status: no assertion criteria provided. Collection method: clinical testing. Allele origin: germline. Not counted in ClinVar's aggregate classification.
Comment: This variant is classified as benign based on ACMG/AMP sequence variant interpretation guidelines (Richards et al. 2015 PMID: 25741868, with internal and published modifications).

NM_021102.4(SPINT2):c.689G>A (p.Arg230His)

Gene: SPINT2 (serine peptidase inhibitor, Kunitz type 2; plus strand). Cytogenetic location: 19q13.2.
Variant type: single nucleotide variant.
Coding change: c.689G>A on transcript NM_021102.4 (MANE Select); coding-DNA position 689, G replaced by A.
Protein change: p.Arg230His; replaces arginine 230 with histidine.
Molecular consequence: missense variant.
Genome position (GRCh38, 1-based): chr19:38,291,936, G>A. VCF-style: chr19-38291936-G-A. GRCh37 (hg19) VCF-style: chr19-38782576-G-A.
Other names: c.518G>A, p.Arg173His (NM_001166103.2); c.689G>A (NM_021102.3); short protein forms R173H, R230H.
Identifiers: ClinVar variation 1591568 (VCV001591568.11), dbSNP rs544029586, ClinGen allele CA9411595.